The following is an entry in ClinVar:

NM_001303052.2(MYT1L):c.3080+8234T>C

Gene: MYT1L (myelin transcription factor 1 like; minus strand). Cytogenetic location: 2p25.3.
Variant type: single nucleotide variant.
Coding change: c.3080+8234T>C on transcript NM_001303052.2 (MANE Select); 8234 bases into the intron after coding-DNA position 3080, T replaced by C.
Molecular consequence: intron variant.
Genome position (GRCh38, 1-based): chr2:1,830,915, A>G on the plus strand (T>C on the coding strand, the complement: MYT1L is on the minus strand). VCF-style: chr2-1830915-A-G. GRCh37 (hg19) VCF-style: chr2-1834687-A-G.
Other names: c.3074+8234T>C (NM_015025.4, NM_001329847.2, NM_001329848.1 and 3 more transcripts); c.3080+8234T>C (NM_001329844.2, NM_001329845.1, NM_001329851.3).
Identifiers: ClinVar variation 4535481 (VCV004535481.6).
Genomic context (GRCh38, chr2:1,830,915, plus strand): 5'-CCAAATTCCACAGCCCCTTGGTGGCTGGTGGCCTGGAGCTGCTCCCTCTGCACCTCCCGC[A>G]TGCACCTGCATGTCAATGGGGCTGGAGTAAGGCTCCCACGCTGCTGTCTTCCCCACATCC-3'

ClinVar aggregate classification (germline): Benign (1 of 4 stars; one submission).

gnomAD v4.1: 580 of 152,222 alleles (0.38%); highest among the groups gnomAD compares: African/African-American, 1.4%; 6 homozygotes.

Submission:

CeGaT Center for Human Genetics Tuebingen
Classification: Benign. Last evaluated: 2026-08-01. Review status: criteria provided, single submitter. Criteria: CeGaT Center For Human Genetics Tuebingen Variant Classification Criteria Version 2. Collection method: clinical testing. Allele origin: germline. Affected: yes. Observed: 3 variant alleles.
Comment: MYT1L: BS1, BS2